The following is an entry in ClinVar:

NM_017588.3(WDR5):c.979A>G (p.Ile327Val)

Gene: WDR5 (WD repeat domain 5; plus strand). Cytogenetic location: 9q34.2.
Variant type: single nucleotide variant.
Coding change: c.979A>G on transcript NM_017588.3 (MANE Select); coding-DNA position 979, A replaced by G.
Protein change: p.Ile327Val; replaces isoleucine 327 with valine.
Molecular consequence: missense variant.
Genome position (GRCh38, 1-based): chr9:134,157,967, A>G. VCF-style: chr9-134157967-A-G. GRCh37 (hg19) VCF-style: chr9-137023089-A-G.
Other names: c.979A>G, p.Ile327Val (NM_001384409.1, NM_001384410.1, NM_001384411.1 and 5 more transcripts); c.976A>G, p.Ile326Val (NM_001384416.1); c.970A>G, p.Ile324Val (NM_001384417.1); c.850A>G, p.Ile284Val (NM_001384418.1, NM_001384419.1); short protein forms I284V, I324V, I326V, I327V.
Identifiers: ClinVar variation 3343792 (VCV003343792.1).

ClinVar aggregate classification (germline): Uncertain significance (1 of 4 stars; one submission).

gnomAD v4.1: 6 of 1,613,992 alleles (0.00037%); highest among the groups gnomAD compares: South Asian, 0.0011%; no homozygotes.

Submission:

GeneDx
Classification: Uncertain significance. Last evaluated: 2023-05-22. Review status: criteria provided, single submitter. Criteria: GeneDx Variant Classification Process June 2021. Collection method: clinical testing. Allele origin: germline. Affected: yes.
Comment: Not observed at significant frequency in large population cohorts (gnomAD); In silico analysis supports that this missense variant does not alter protein structure/function; Has not been previously published as pathogenic or benign to our knowledge